The following is an entry in ClinVar:

NM_004656.4(BAP1):c.63T>C (p.Asp21=)

Gene: BAP1 (BRCA1 associated deubiquitinase 1; minus strand). Cytogenetic location: 3p21.1.
Variant type: single nucleotide variant.
Coding change: c.63T>C on transcript NM_004656.4 (MANE Select); coding-DNA position 63, T replaced by C.
Protein change: p.Asp21=; no amino-acid change (aspartic acid 21 retained).
Molecular consequence: synonymous variant.
Genome position (GRCh38, 1-based): chr3:52,409,718, A>G on the plus strand (T>C on the coding strand, the complement: BAP1 is on the minus strand). VCF-style: chr3-52409718-A-G. GRCh37 (hg19) VCF-style: chr3-52443734-A-G.
Other names: c.63T>C, p.Asp21= (NM_001410772.1).
Identifiers: ClinVar variation 3379139 (VCV003379139.1).

ClinVar aggregate classification (germline): Benign (1 of 4 stars; one submission).

Conditions:
BAP1-related tumor predisposition syndrome (TPDS1). Also called: BAP1 tumor predisposition syndrome; Tumor susceptibility linked to germline BAP1 mutations; COMMON Syndrome; TUMOR PREDISPOSITION SYNDROME 1. Identifiers: Orphanet 289539, MedGen C3280492, MONDO:0013692, OMIM 614327.

Submission:

Myriad Genetics, Inc.
Classification: Benign for BAP1-related tumor predisposition syndrome. Last evaluated: 2024-07-11. Review status: criteria provided, single submitter. Criteria: Myriad Autosomal Dominant, Autosomal Recessive and X-Linked Classification Criteria (2023). Collection method: clinical testing. Allele origin: unknown.
Comment: This variant is considered benign. This variant is a silent/synonymous amino acid change and it is not expected to impact splicing.